The following is an entry in ClinVar:

ClinVar aggregate classification (germline): Pathogenic. Review status: criteria provided, multiple submitters, no conflicts (2 of 4 stars). 2 submissions from 2 submitters: Pathogenic (2). Last evaluated 2023-09-14.

Conditions:
Hereditary cancer-predisposing syndrome. Also called: Hereditary neoplastic syndrome; Neoplastic Syndromes, Hereditary; Tumor predisposition; Hereditary Cancer Syndrome. Identifiers: Orphanet 140162, MedGen C0027672, MeSH D009386, MONDO:0015356.
Familial cancer of breast. Also called: BREAST CANCER, FAMILIAL; Hereditary breast cancer; hereditary breast carcinoma. Identifiers: Orphanet 227535, MedGen C0346153, MONDO:0016419, OMIM 114480. Disease mechanism: loss of function.

Submissions (2):

Myriad Genetics, Inc.
Classification: Pathogenic for Familial cancer of breast. Last evaluated: 2023-09-14. Review status: criteria provided, single submitter. Criteria: Myriad Autosomal Dominant, Autosomal Recessive and X-Linked Classification Criteria (2023). Collection method: clinical testing. Allele origin: unknown.
Comment: This variant is considered pathogenic. This variant creates a frameshift predicted to result in premature protein truncation.

Ambry Genetics
Classification: Pathogenic for Hereditary cancer-predisposing syndrome. Last evaluated: 2014-12-22. Review status: criteria provided, single submitter. Criteria: Ambry Autosomal Dominant and X-Linked criteria (10/2015). Collection method: clinical testing. Allele origin: germline. Observed: 1 variant allele.
Comment: The c.3228_3244dup17 pathogenic mutation, located in coding exon 12 of the PALB2 gene, results from a duplication of 17 nucleotides at positions 3228 to 3244, causing a translational frameshift with a predicted alternate stop codon. Since frameshifts are typically deleterious in nature, this alteration is interpreted as a disease-causing mutation (ACMG Recommendations for Standards for Interpretation and Reporting of Sequence Variations. Revision 2007. Genet Med. 2008;10:294).

NM_024675.4(PALB2):c.3228_3244dup (p.Ser1082fs)

Gene: PALB2 (partner and localizer of BRCA2; minus strand). Cytogenetic location: 16p12.2.
Variant type: Duplication.
Coding change: c.3228_3244dup on transcript NM_024675.4 (MANE Select); coding-DNA positions 3228 to 3244, 17 bases duplicated (TCCCTGTGCCAAAGAGA).
Protein change: p.Ser1082fs; shifts the reading frame from serine 1082.
Molecular consequence: frameshift variant.
Genome position (GRCh38, 1-based): chr16:23,607,970-23,607,986, TCTCTTTGGCACAGGGA duplicated on the plus strand (TCCCTGTGCCAAAGAGA on the coding strand, the reverse complement: PALB2 is on the minus strand); duplicating any 17 consecutive bases within chr16:23,607,970-23,607,987 gives the same sequence; the c. name uses the placement nearest the transcript's 3' end. VCF-style (leftmost placement, unchanged base first): chr16-23607969-C-CTCTCTTTGGCACAGGGA. GRCh37 (hg19) VCF-style: chr16-23619290-C-CTCTCTTTGGCACAGGGA.
Other names: c.3228_3244dupTCCCTGTGCCAAAGAGA (NM_024675.3); short protein forms S1082fs.
Identifiers: ClinVar variation 185218 (VCV000185218.4), dbSNP rs786202008, ClinGen allele CA191362.
Genomic context (GRCh38, chr16:23,607,969, plus strand): 5'-CTGAGAGTCGTCTTAGGGTTAATCACAATGAGCTGAAACACAGGGCTTCGCAACGACTCA[C>CTCTCTTTGGCACAGGGA]TCTCTTTGGCACAGGGATGACTCAGGACAATAAAGAGAAGCCCCTAATTTCGGAGAAAAA-3'